The following is an entry in ClinVar:

NM_001042492.3(NF1):c.283G>A (p.Ala95Thr)

Gene: NF1 (neurofibromin 1; plus strand). Cytogenetic location: 17q11.2.
Variant type: single nucleotide variant.
Coding change: c.283G>A on transcript NM_001042492.3 (MANE Select); coding-DNA position 283, G replaced by A.
Protein change: p.Ala95Thr; replaces alanine 95 with threonine.
Molecular consequence: missense variant.
Genome position (GRCh38, 1-based): chr17:31,159,088, G>A. VCF-style: chr17-31159088-G-A. GRCh37 (hg19) VCF-style: chr17-29486106-G-A.
Other names: c.283G>A, p.Ala95Thr (NM_000267.4, NM_001128147.3); short protein forms A95T.
Identifiers: ClinVar variation 4800698 (VCV004800698.1).

ClinVar aggregate classification (germline): Uncertain significance (1 of 4 stars; one submission).

Conditions:
Neurofibromatosis, type 1 (NF1). Also called: VON RECKLINGHAUSEN DISEASE; Neurofibromatosis, type I; NEUROFIBROMATOSIS, TYPE I, SOMATIC; Peripheral type neurofibromatosis. Identifiers: Orphanet 636, MedGen C0027831, MONDO:0018975, OMIM 162200. Disease mechanism: loss of function.

Submission:

Labcorp Genetics (formerly Invitae), Labcorp
Classification: Uncertain significance for Neurofibromatosis, type 1. Last evaluated: 2025-09-16. Review status: criteria provided, single submitter. Criteria: Invitae Variant Classification Sherloc (09022015). Collection method: clinical testing. Allele origin: germline.
Comment: This sequence change replaces alanine, which is neutral and non-polar, with threonine, which is neutral and polar, at codon 95 of the NF1 protein (p.Ala95Thr). This variant is not present in population databases (gnomAD no frequency). This variant has not been reported in the literature in individuals affected with NF1-related conditions. Invitae Evidence Modeling of protein sequence and biophysical properties (such as structural, functional, and spatial information, amino acid conservation, physicochemical variation, residue mobility, and thermodynamic stability) has been performed for this missense variant. However, the output from this modeling did not meet the statistical confidence thresholds required to predict the impact of this variant on NF1 protein function. In summary, the available evidence is currently insufficient to determine the role of this variant in disease. Therefore, it has been classified as a Variant of Uncertain Significance.